The following is an entry in ClinVar:

ClinVar aggregate classification (germline): Uncertain significance (1 of 4 stars; one submission).

Submission:

Labcorp Genetics (formerly Invitae), Labcorp
Classification: Uncertain significance. Last evaluated: 2023-09-18. Review status: criteria provided, single submitter. Criteria: Invitae Variant Classification Sherloc (09022015). Collection method: clinical testing. Allele origin: germline.
Comment: This sequence change replaces isoleucine, which is neutral and non-polar, with valine, which is neutral and non-polar, at codon 2069 of the MYO7A protein (p.Ile2069Val). This variant is not present in population databases (gnomAD no frequency). In summary, the available evidence is currently insufficient to determine the role of this variant in disease. Therefore, it has been classified as a Variant of Uncertain Significance. Advanced modeling of protein sequence and biophysical properties (such as structural, functional, and spatial information, amino acid conservation, physicochemical variation, residue mobility, and thermodynamic stability) performed at Invitae indicates that this missense variant is not expected to disrupt MYO7A protein function. This variant has not been reported in the literature in individuals affected with MYO7A-related conditions.

NM_000260.4(MYO7A):c.6205A>G (p.Ile2069Val)

Gene: MYO7A (myosin VIIA; plus strand). Cytogenetic location: 11q13.5.
Variant type: single nucleotide variant.
Coding change: c.6205A>G on transcript NM_000260.4 (MANE Select); coding-DNA position 6205, A replaced by G.
Protein change: p.Ile2069Val; replaces isoleucine 2069 with valine.
Molecular consequence: missense variant.
Genome position (GRCh38, 1-based): chr11:77,211,305, A>G. VCF-style: chr11-77211305-A-G. GRCh37 (hg19) VCF-style: chr11-76922350-A-G.
Other names: c.6091A>G, p.Ile2031Val (NM_001127180.2); c.6058A>G, p.Ile2020Val (NM_001369365.1); short protein forms I2069V, I2031V, I2020V.
Identifiers: ClinVar variation 2754536 (VCV002754536.1), dbSNP rs1046633522, ClinGen allele CA381936213.